The following is an entry in ClinVar:

ClinVar aggregate classification (germline): Uncertain significance (1 of 4 stars; one submission).

Conditions:
Neuromuscular disease caused by qualitative or quantitative defects of dysferlin. Also called: Qualitative or quantitative defects of dysferlin; Dysferlinopathy. Identifiers: Orphanet 207073, MedGen C2931687, MONDO:0016145.

Submission:

Labcorp Genetics (formerly Invitae), Labcorp
Classification: Uncertain significance for Neuromuscular disease caused by qualitative or quantitative defects of dysferlin. Last evaluated: 2022-01-02. Review status: criteria provided, single submitter. Criteria: Invitae Variant Classification Sherloc (09022015). Collection method: clinical testing. Allele origin: germline.
Comment: In summary, the available evidence is currently insufficient to determine the role of this variant in disease. Therefore, it has been classified as a Variant of Uncertain Significance. This sequence change replaces glycine, which is neutral and non-polar, with valine, which is neutral and non-polar, at codon 1443 of the DYSF protein (p.Gly1443Val). Information on the frequency of this variant in the gnomAD database is not available, as this variant may be reported differently in the database. This variant has not been reported in the literature in individuals affected with DYSF-related conditions. Algorithms developed to predict the effect of missense changes on protein structure and function are either unavailable or do not agree on the potential impact of this missense change (SIFT: "Not Available"; PolyPhen-2: "Benign"; Align-GVGD: "Not Available").

NM_001130987.2(DYSF):c.4382_4383delinsTT (p.Gly1461Val)

Gene: DYSF (dysferlin; plus strand). Cytogenetic location: 2p13.2.
Variant type: Indel.
Coding change: c.4382_4383delinsTT on transcript NM_001130987.2 (MANE Select); coding-DNA positions 4382 to 4383, GC replaced by TT.
Protein change: p.Gly1461Val; replaces glycine 1461 with valine.
Molecular consequence: missense variant.
Genome position (GRCh38, 1-based): chr2:71,612,801-71,612,802, GC replaced by TT. VCF-style: chr2-71612801-GC-TT. GRCh37 (hg19) VCF-style: chr2-71839931-GC-TT.
Other names: c.4331_4332delinsTT, p.Gly1444Val (NM_001130455.2, NM_001130983.2); c.4286_4287delinsTT, p.Gly1429Val (NM_001130976.2, NM_001130977.2); c.4328_4329delinsTT, p.Gly1443Val (NM_001130978.2, NM_003494.4); c.4421_4422delinsTT, p.Gly1474Val (NM_001130979.2); c.4379_4380delinsTT, p.Gly1460Val (NM_001130980.2, NM_001130981.2); c.4424_4425delinsTT, p.Gly1475Val (NM_001130982.2); c.4289_4290delinsTT, p.Gly1430Val (NM_001130984.2, NM_001130986.2); c.4382_4383delinsTT, p.Gly1461Val (NM_001130985.2); short protein forms G1429V, G1430V, G1443V, G1444V, G1460V, G1461V, G1474V, G1475V.
Identifiers: ClinVar variation 2419828 (VCV002419828.6), dbSNP rs2546144422, ClinGen allele CA2580067810.
Genomic context (GRCh38, chr2:71,612,801, plus strand): 5'-GCTCCCTGGAGAGCTTCCTGTGTGACCCCTACTCGGCGGAGAGTCCATCCCCACAGGGTG[GC>TT]CCAGGTAGGGGAAGGGGAGATGATGGGCAGGTCAGGGAAGGGGGAGCCTCAGGGCCAAGC-3'
Protein context (NP_001124459.1, residues 1451-1471): YSAESPSPQG[Gly1461Val]PDDVSLLSPG